The following is an entry in ClinVar:

NM_006231.4(POLE):c.4112G>A (p.Arg1371Gln)

Gene: POLE (DNA polymerase epsilon, catalytic subunit; minus strand). Cytogenetic location: 12q24.33.
Variant type: single nucleotide variant.
Coding change: c.4112G>A on transcript NM_006231.4 (MANE Select); coding-DNA position 4112, G replaced by A.
Protein change: p.Arg1371Gln; replaces arginine 1371 with glutamine.
Molecular consequence: missense variant.
Genome position (GRCh38, 1-based): chr12:132,648,966, C>T on the plus strand (G>A on the coding strand, the complement: POLE is on the minus strand). VCF-style: chr12-132648966-C-T. GRCh37 (hg19) VCF-style: chr12-133225552-C-T.
Other names: c.4112G>A (NM_006231.2); short protein forms R1371Q.
Identifiers: ClinVar variation 473639 (VCV000473639.17), dbSNP rs535074635, ClinGen allele CA6892997.

ClinVar aggregate classification (germline): Conflicting classifications of pathogenicity. Review status: criteria provided, conflicting classifications (1 of 4 stars). 7 submissions from 7 submitters: Uncertain significance (6); Likely benign (1). Last evaluated 2025-12-08.

Conditions:
Hereditary cancer-predisposing syndrome. Also called: Neoplastic Syndromes, Hereditary; Tumor predisposition; Hereditary Cancer Syndrome; Hereditary neoplastic syndrome. Identifiers: Orphanet 140162, MedGen C0027672, MeSH D009386, MONDO:0015356.
Facial dysmorphism-immunodeficiency-livedo-short stature syndrome. Also called: Facial dysmorphism, immunodeficiency, livedo, and short stature; FILS syndrome. Identifiers: Orphanet 352712, MedGen C3554576, MONDO:0014058, OMIM 615139.
Intrauterine growth retardation, metaphyseal dysplasia, adrenal hypoplasia congenita, genital anomalies, and immunodeficiency. Also called: IMAGEI SYNDROME. Identifiers: MedGen C5193036, MONDO:0032684, OMIM 618336.
Colorectal cancer, susceptibility to, 12 (CRCS12). Also called: COLORECTAL CANCER, SUSCEPTIBILITY TO, ON CHROMOSOME 12q24. Identifiers: Orphanet 220460, MedGen C3554460, MONDO:0014038, OMIM 615083.

Allele frequency attached by ClinVar (database versions not stated): gnomAD exomes 0.00002; ExAC 0.00003; gnomAD 0.00003; TOPMed 0.00003; 1000 Genomes Project 0.00020; 1000 Genomes Project 30x 0.00031.
gnomAD v4.1: 22 of 1,614,020 alleles (0.0014%); highest among the groups gnomAD compares: South Asian, 0.0055%; no homozygotes.

Submissions (7):

Labcorp Genetics (formerly Invitae), Labcorp
Classification: Uncertain significance. Last evaluated: 2025-12-08. Review status: criteria provided, single submitter. Criteria: Invitae Variant Classification Sherloc (09022015). Collection method: clinical testing. Allele origin: germline.
Comment: This sequence change replaces arginine, which is basic and polar, with glutamine, which is neutral and polar, at codon 1371 of the POLE protein (p.Arg1371Gln). This variant is present in population databases (rs535074635, gnomAD 0.01%). This missense change has been observed in individual(s) with POLE-related conditions (PMID: 32792570). ClinVar contains an entry for this variant (Variation ID: 473639). Invitae Evidence Modeling of protein sequence and biophysical properties (such as structural, functional, and spatial information, amino acid conservation, physicochemical variation, residue mobility, and thermodynamic stability) indicates that this missense variant is not expected to disrupt POLE protein function with a negative predictive value of 80%. In summary, the available evidence is currently insufficient to determine the role of this variant in disease. Therefore, it has been classified as a Variant of Uncertain Significance.

Center for Genomic Medicine, Rigshospitalet, Copenhagen University Hospital
Classification: Uncertain significance. Last evaluated: 2025-03-04. Review status: criteria provided, single submitter. Criteria: ACMG Guidelines, 2015. Collection method: clinical testing. Allele origin: germline.

Ambry Genetics
Classification: Likely benign for Hereditary cancer-predisposing syndrome. Last evaluated: 2024-12-04. Review status: criteria provided, single submitter. Criteria: Ambry Variant Classification Scheme 2023. Collection method: clinical testing. Allele origin: germline.

Fulgent Genetics
Classification: Uncertain significance for Colorectal cancer, susceptibility to, 12; Facial dysmorphism-immunodeficiency-livedo-short stature syndrome; Intrauterine growth retardation, metaphyseal dysplasia, adrenal hypoplasia congenita, genital anomalies, and immunodeficiency. Last evaluated: 2024-04-12. Review status: criteria provided, single submitter. Criteria: ACMG Guidelines, 2015. Collection method: clinical testing. Allele origin: germline.

GeneDx
Classification: Uncertain significance. Last evaluated: 2023-10-24. Review status: criteria provided, single submitter. Criteria: GeneDx Variant Classification Process June 2021. Collection method: clinical testing. Allele origin: germline. Affected: yes.
Comment: Not observed at significant frequency in large population cohorts (gnomAD); In silico analysis supports that this missense variant has a deleterious effect on protein structure/function; Identified in an individual with polyposis (PMID: 32792570); This variant is associated with the following publications: (PMID: 32792570)

Women's Health and Genetics/Laboratory Corporation of America, LabCorp
Classification: Uncertain significance. Last evaluated: 2022-04-11. Review status: criteria provided, single submitter. Criteria: LabCorp Variant Classification Summary - May 2015. Collection method: clinical testing. Allele origin: germline.
Comment: Variant summary: POLE c.4112G>A (p.Arg1371Gln) results in a conservative amino acid change in the encoded protein sequence. Four of five in-silico tools predict a benign effect of the variant on protein function. The variant allele was found at a frequency of 2e-05 in 250954 control chromosomes (gnomAD). The available data on variant occurrences in the general population are insufficient to allow any conclusion about variant significance. c.4112G>A has been reported in the literature in one individual affected with polyposis (Mur_2020). The report does not provide unequivocal conclusions about association of the variant with Colorectal Cancer. To our knowledge, no experimental evidence demonstrating an impact on protein function has been reported. Two submitters (evaluation after 2014) cite the variant as uncertain significance. Based on the evidence outlined above, the variant was classified as uncertain significance.

Institute for Clinical Genetics, University Hospital TU Dresden, University Hospital TU Dresden
Classification: Uncertain significance. Last evaluated: 2021-11-03. Review status: criteria provided, single submitter. Criteria: ACMG Guidelines, 2015. Collection method: clinical testing. Allele origin: germline.

Literature cited by the submitters: PubMed 32792570 (cited by Labcorp Genetics (formerly Invitae), Labcorp and Women's Health and Genetics/Laboratory Corporation of America, LabCorp).